The following is an entry in ClinVar:

NM_005989.4(AKR1D1):c.938+9C>T

Gene: AKR1D1 (aldo-keto reductase family 1 member D1; plus strand). Cytogenetic location: 7q33.
Variant type: single nucleotide variant.
Coding change: c.938+9C>T on transcript NM_005989.4 (MANE Select); 9 bases into the intron after coding-DNA position 938, C replaced by T.
Molecular consequence: intron variant.
Genome position (GRCh38, 1-based): chr7:138,113,781, C>T. VCF-style: chr7-138113781-C-T. GRCh37 (hg19) VCF-style: chr7-137798527-C-T.
Other names: c.856-2839C>T (NM_001190907.2); c.815+9C>T (NM_001190906.2).
Identifiers: ClinVar variation 3030499 (VCV003030499.2), dbSNP rs199670016, ClinGen allele CA4502869.
Genomic context (GRCh38, chr7:138,113,781, plus strand): 5'-TGAAGGACATTGAAGCCTTGAATAAAAATGTCCGCTTTGTAGAATTGCTCATGTAAGTTC[C>T]GGGGATCATTAATGGGTATTGACCAGTGGTATTGAATGGTCATGTGTCAAGCAACAAGGC-3'

ClinVar aggregate classification (germline): Likely benign (0 of 4 stars; one submission).

Conditions:
AKR1D1-related disorder. Also called: AKR1D1-related condition.

Allele frequency attached by ClinVar (database versions not stated): gnomAD exomes 0.00001; ExAC 0.00002; TOPMed 0.00002; gnomAD 0.00004; 1000 Genomes Project 30x 0.00016; 1000 Genomes Project 0.00020.
gnomAD v4.1: 21 of 1,612,474 alleles (0.0013%); highest among the groups gnomAD compares: African/African-American, 0.0093%; no homozygotes.

Submission:

PreventionGenetics, part of Exact Sciences
Classification: Likely benign for AKR1D1-related condition. Last evaluated: 2021-04-05. Review status: no assertion criteria provided. Collection method: clinical testing. Allele origin: germline.
Comment: This variant is classified as likely benign based on ACMG/AMP sequence variant interpretation guidelines (Richards et al. 2015 PMID: 25741868, with internal and published modifications).